The following is an entry in ClinVar:

NM_001374353.1(GLI2):c.649C>G (p.Arg217Gly)

Gene: GLI2 (GLI family zinc finger 2; plus strand). Cytogenetic location: 2q14.2.
Variant type: single nucleotide variant.
Coding change: c.649C>G on transcript NM_001374353.1 (MANE Select); coding-DNA position 649, C replaced by G.
Protein change: p.Arg217Gly; replaces arginine 217 with glycine.
Molecular consequence: missense variant.
Genome position (GRCh38, 1-based): chr2:120,968,719, C>G. VCF-style: chr2-120968719-C-G. GRCh37 (hg19) VCF-style: chr2-121726295-C-G.
Other names: c.649C>G, p.Arg217Gly (NM_001371271.1, NM_005270.5); c.274C>G, p.Arg92Gly (NM_001374354.1); short protein forms R217G, R92G.
Identifiers: ClinVar variation 373677 (VCV000373677.3), dbSNP rs149819397, ClinGen allele CA1851619.
Genomic context (GRCh38, chr2:120,968,719, plus strand): 5'-ACCCCCTCCCCCATCCCCAGTGATGCTGACCTGTCTTGTGTTGACTATCCCACAGTGTCC[C>G]GTTTCTCCAGCCCGCGGGTGACGCCCCGCCTGAGCCGCAAGCGGGCGCTGTCCATCTCCC-3'
Protein context (NP_001361282.1, residues 207-227): HDYLNPVDVS[Arg217Gly]FSSPRVTPRL

ClinVar aggregate classification (germline): Conflicting classifications of pathogenicity. Review status: criteria provided, conflicting classifications (1 of 4 stars). 2 submissions from 2 submitters: Uncertain significance (1); Likely benign (1). Last evaluated 2022-05-18.

Conditions:
Inborn genetic diseases. Identifiers: MedGen C0950123, MeSH D030342.

Allele frequency attached by ClinVar (database versions not stated): TOPMed 0.00003.
gnomAD v4.1: 125 of 1,612,432 alleles (0.0078%); highest among the groups gnomAD compares: Non-Finnish European, 0.01%; no homozygotes.

Submissions (2):

Ambry Genetics
Classification: Likely benign for Inborn genetic diseases. Last evaluated: 2022-05-18. Review status: criteria provided, single submitter. Criteria: Ambry Variant Classification Scheme 2023. Collection method: clinical testing. Allele origin: germline.

GeneDx
Classification: Uncertain significance. Last evaluated: 2016-12-05. Review status: criteria provided, single submitter. Criteria: GeneDx Variant Classification (06012015). Collection method: clinical testing. Allele origin: germline. Affected: yes.
Comment: The R217G variant in the GLI2 gene has not been reported previously as a pathogenic variant, nor as a benign variant, to our knowledge. The R217G variant was not observed in approximately 6,500 individuals of European and African American ancestry in the NHLBI Exome Sequencing Project, indicating it is not a common benign variant in these populations. The R217G variant is a non-conservative amino acid substitution, which is likely to impact secondary protein structure as these residues differ in polarity, charge, size and/or other properties. This substitution occurs at a position that is conserved across species and in silico analysis predicts this variant is probably damaging to the protein structure/function. We interpret R217G as a variant of uncertain significance.